The following is an entry in ClinVar:

ClinVar aggregate classification (germline): Uncertain significance (1 of 4 stars; one submission).

Submission:

Labcorp Genetics (formerly Invitae), Labcorp
Classification: Uncertain significance. Last evaluated: 2022-07-22. Review status: criteria provided, single submitter. Criteria: Invitae Variant Classification Sherloc (09022015). Collection method: clinical testing. Allele origin: germline.
Comment: This variant, c.3382_3624del, results in the deletion of 81 amino acid(s) of the TUBGCP6 protein (p.Asn1139_Ser1219del), but otherwise preserves the integrity of the reading frame. This variant is not present in population databases (gnomAD no frequency). This variant has not been reported in the literature in individuals affected with TUBGCP6-related conditions. Experimental studies and prediction algorithms are not available or were not evaluated, and the functional significance of this variant is currently unknown. In summary, the available evidence is currently insufficient to determine the role of this variant in disease. Therefore, it has been classified as a Variant of Uncertain Significance.

NM_020461.4(TUBGCP6):c.3382_3624del (p.Asn1139_Ser1219del)

Gene: TUBGCP6 (tubulin gamma complex component 6; minus strand). Cytogenetic location: 22q13.33.
Variant type: Deletion.
Coding change: c.3382_3624del on transcript NM_020461.4 (MANE Select); coding-DNA positions 3382 to 3624, 243 bases deleted.
Protein change: p.Asn1139_Ser1219del.
Molecular consequence: inframe deletion.
Genome position (GRCh38, 1-based): chr22:50,220,735-50,220,977, 243 bases deleted. GRCh37 (hg19): chr22:50,659,175-50,659,417.
Identifiers: ClinVar variation 2106486 (VCV002106486.4), dbSNP rs2519134046, ClinGen allele CA1026636555.